The following is an entry in ClinVar:

ClinVar aggregate classification (germline): Benign (1 of 4 stars; one submission).

Allele frequency attached by ClinVar (database versions not stated): gnomAD exomes 0.21415; gnomAD 0.22656 and 0.22925; TOPMed 0.24684; 1000 Genomes Project 0.27855; 1000 Genomes Project 30x 0.28435.

Submission:

GeneDx
Classification: Benign. Last evaluated: 2018-06-19. Review status: criteria provided, single submitter. Criteria: GeneDx Variant Classification (06012015). Collection method: clinical testing. Allele origin: germline. Affected: yes.
Comment: This variant is considered likely benign or benign based on one or more of the following criteria: it is a conservative change, it occurs at a poorly conserved position in the protein, it is predicted to be benign by multiple in silico algorithms, and/or has population frequency not consistent with disease.

NM_018972.4(GDAP1):c.579+119_579+120del

Gene: GDAP1 (ganglioside induced differentiation associated protein 1; plus strand). Cytogenetic location: 8q21.11.
Variant type: Deletion.
Coding change: c.579+119_579+120del on transcript NM_018972.4 (MANE Select); bases 119 to 120 of the intron after coding-DNA position 579, 2 bases deleted (AT; older notation c.579+119_579+120delAT).
Molecular consequence: intron variant.
Genome position (GRCh38, 1-based): chr8:74,362,097-74,362,098, AT deleted. VCF-style (leftmost placement, unchanged base first): chr8-74362096-CAT-C. GRCh37 (hg19) VCF-style: chr8-75274331-CAT-C.
Other names: c.579+119_579+120del (NM_001362931.2); c.405+119_405+120del (NM_001362930.2); c.252+119_252+120del (NM_001362929.2, NM_001362932.2); c.375+119_375+120del (NM_001040875.4).
Identifiers: ClinVar variation 681294 (VCV000681294.1), dbSNP rs3832592, ClinGen allele CA179735228.